The following is an entry in ClinVar:

NM_001042681.2(RERE):c.3500T>G (p.Ile1167Ser)

Gene: RERE (arginine-glutamic acid dipeptide repeats; minus strand). Cytogenetic location: 1p36.23.
Variant type: single nucleotide variant.
Coding change: c.3500T>G on transcript NM_001042681.2 (MANE Select); coding-DNA position 3500, T replaced by G.
Protein change: p.Ile1167Ser; replaces isoleucine 1167 with serine.
Molecular consequence: missense variant.
Genome position (GRCh38, 1-based): chr1:8,359,882, A>C on the plus strand (T>G on the coding strand, the complement: RERE is on the minus strand). VCF-style: chr1-8359882-A-C. GRCh37 (hg19) VCF-style: chr1-8419942-A-C.
Other names: c.1838T>G, p.Ile613Ser (NM_001042682.2); c.3500T>G, p.Ile1167Ser (NM_012102.4); short protein forms I1167S, I613S.
Identifiers: ClinVar variation 4767904 (VCV004767904.1).

ClinVar aggregate classification (germline): Uncertain significance (1 of 4 stars; one submission).

Submission:

Labcorp Genetics (formerly Invitae), Labcorp
Classification: Uncertain significance. Last evaluated: 2025-11-06. Review status: criteria provided, single submitter. Criteria: Invitae Variant Classification Sherloc (09022015). Collection method: clinical testing. Allele origin: germline.
Comment: This sequence change replaces isoleucine, which is neutral and non-polar, with serine, which is neutral and polar, at codon 1167 of the RERE protein (p.Ile1167Ser). This variant is not present in population databases (gnomAD no frequency). This missense change has been observed in individual(s) with RERE-related conditions (internal data). Invitae Evidence Modeling of protein sequence and biophysical properties (such as structural, functional, and spatial information, amino acid conservation, physicochemical variation, residue mobility, and thermodynamic stability) indicates that this missense variant is not expected to disrupt RERE protein function with a negative predictive value of 95%. In summary, the available evidence is currently insufficient to determine the role of this variant in disease. Therefore, it has been classified as a Variant of Uncertain Significance.